The following is an entry in ClinVar:

ClinVar aggregate classification (germline): Uncertain significance. Review status: criteria provided, multiple submitters, no conflicts (2 of 4 stars). 2 submissions from 2 submitters: Uncertain significance (2). Last evaluated 2025-10-11.

Conditions:
Dilated cardiomyopathy 1AA (CMD1AA). Also called: CARDIOMYOPATHY, DILATED, 1AA, WITH OR WITHOUT LEFT VENTRICULAR NONCOMPACTION; CARDIOMYOPATHY, FAMILIAL HYPERTROPHIC, 23, WITH OR WITHOUT LEFT VENTRICULAR NONCOMPACTION; Cardiomyopathy, dilated, 1AA, with or without LVNC. Identifiers: Orphanet 154, MedGen C2677338, MONDO:0012808, OMIM 612158.
Primary familial hypertrophic cardiomyopathy (HCM). Identifiers: Orphanet 99739, MedGen C0949658, MeSH D024741, MONDO:0024573. Inheritance: Various modes of inheritance.

Submissions (2):

Dasa
Classification: Uncertain significance. Last evaluated: 2025-10-11. Review status: criteria provided, single submitter. Criteria: DASA Assertion Criteria. Collection method: clinical testing. Allele origin: germline.
Comment: NM_001103.4(ACTN2):c.320T>C (p.Ile107Thr) is a missense variant that results in the substitution of isoleucine with threonine. This variant is absent from population databases. Computational prediction algorithms are consistent with a deleterious effect. The currently available literature and clinical evidence are not sufficient to establish a definitive association between this variant and the reported condition. Therefore, this variant is classified as a variant of uncertain significance.

Labcorp Genetics (formerly Invitae), Labcorp
Classification: Uncertain significance for Primary familial hypertrophic cardiomyopathy; Dilated cardiomyopathy 1AA. Last evaluated: 2023-01-11. Review status: criteria provided, single submitter. Criteria: Invitae Variant Classification Sherloc (09022015). Collection method: clinical testing. Allele origin: germline.
Comment: This sequence change replaces isoleucine, which is neutral and non-polar, with threonine, which is neutral and polar, at codon 107 of the ACTN2 protein (p.Ile107Thr). This variant is not present in population databases (gnomAD no frequency). This variant has not been reported in the literature in individuals affected with ACTN2-related conditions. Advanced modeling of protein sequence and biophysical properties (such as structural, functional, and spatial information, amino acid conservation, physicochemical variation, residue mobility, and thermodynamic stability) performed at Invitae indicates that this missense variant is expected to disrupt ACTN2 protein function. In summary, the available evidence is currently insufficient to determine the role of this variant in disease. Therefore, it has been classified as a Variant of Uncertain Significance.

NM_001103.4(ACTN2):c.320T>C (p.Ile107Thr)

Gene: ACTN2 (actinin alpha 2; plus strand). Cytogenetic location: 1q43.
Variant type: single nucleotide variant.
Coding change: c.320T>C on transcript NM_001103.4 (MANE Select); coding-DNA position 320, T replaced by C.
Protein change: p.Ile107Thr; replaces isoleucine 107 with threonine.
Molecular consequence: missense variant. On other transcripts: non-coding transcript variant (1).
Genome position (GRCh38, 1-based): chr1:236,718,972, T>C. VCF-style: chr1-236718972-T-C. GRCh37 (hg19) VCF-style: chr1-236882272-T-C.
Other names: c.320T>C, p.Ile107Thr (NM_001278343.2); c.-502T>C (NM_001278344.2); c.-627T>C (NM_001412150.1); short protein forms I107T.
Identifiers: ClinVar variation 2943101 (VCV002943101.5), dbSNP rs2527538466, ClinGen allele CA345373620.